The following is an entry in ClinVar:

ClinVar aggregate classification (germline): Uncertain significance (1 of 4 stars; one submission).

Conditions:
Familial adenomatous polyposis 2. Also called: MYH-associated polyposis; FAP type 2; COLORECTAL ADENOMATOUS POLYPOSIS, AUTOSOMAL RECESSIVE; ADENOMAS, MULTIPLE COLORECTAL, AUTOSOMAL RECESSIVE; MUTYH-related attenuated familial adenomatous polyposis; MUTYH Polyposis. Identifiers: Orphanet 220460, Orphanet 247798, MedGen C3272841, MONDO:0012041, OMIM 608456.

Submission:

Labcorp Genetics (formerly Invitae), Labcorp
Classification: Uncertain significance for Familial adenomatous polyposis 2. Last evaluated: 2018-05-20. Review status: criteria provided, single submitter. Criteria: Invitae Variant Classification Sherloc (09022015). Collection method: clinical testing. Allele origin: germline.
Comment: This variant is not present in population databases (ExAC no frequency). This sequence change falls in intron 14 of the MUTYH gene. It does not directly change the encoded amino acid sequence of the MUTYH protein, but it affects a nucleotide within the consensus splice site of the intron. This variant has not been reported in the literature in individuals with MUTYH-related disease. In summary, the available evidence is currently insufficient to determine the role of this variant in disease. Therefore, it has been classified as a Variant of Uncertain Significance. Nucleotide substitutions within the consensus splice site are a relatively common cause of aberrant splicing (PMID: 17576681, 9536098). Algorithms developed to predict the effect of sequence changes on RNA splicing suggest that this variant is not likely to affect RNA splicing, but this prediction has not been confirmed by published transcriptional studies.

Literature cited by the submitters: PubMed 17576681; PubMed 9536098.

NM_001048174.2(MUTYH):c.1392+4C>T

Gene: MUTYH (mutY DNA glycosylase; minus strand). Cytogenetic location: 1p34.1.
Variant type: single nucleotide variant.
Coding change: c.1392+4C>T on transcript NM_001048174.2 (MANE Select); 4 bases into the intron after coding-DNA position 1392, C replaced by T.
Molecular consequence: intron variant.
Genome position (GRCh38, 1-based): chr1:45,331,178, G>A on the plus strand (C>T on the coding strand, the complement: MUTYH is on the minus strand). VCF-style: chr1-45331178-G-A. GRCh37 (hg19) VCF-style: chr1-45796850-G-A.
Other names: c.1047+4C>T (NM_001350651.2, NM_001350650.2); c.1116+4C>T (NM_001293192.2, NM_001293196.2); c.1392+4C>T (NM_001048171.2, NM_001048173.2, NM_001293195.2); c.1437+4C>T (NM_001293190.2); c.1467+4C>T (NM_012222.3); c.1476+4C>T (NM_001128425.2); c.1395+4C>T (NM_001048172.2); c.1425+4C>T (NM_001293191.2).
Identifiers: ClinVar variation 574106 (VCV000574106.8), dbSNP rs1557455162, ClinGen allele CA891842438.